The following is an entry in ClinVar:

ClinVar aggregate classification (germline): Uncertain significance (1 of 4 stars; one submission).

Submission:

Labcorp Genetics (formerly Invitae), Labcorp
Classification: Uncertain significance. Last evaluated: 2022-11-01. Review status: criteria provided, single submitter. Criteria: Invitae Variant Classification Sherloc (09022015). Collection method: clinical testing. Allele origin: germline.
Comment: This variant is not present in population databases (gnomAD no frequency). This sequence change falls in intron 16 of the RNF31 gene. It does not directly change the encoded amino acid sequence of the RNF31 protein. In summary, the available evidence is currently insufficient to determine the role of this variant in disease. Therefore, it has been classified as a Variant of Uncertain Significance. Algorithms developed to predict the effect of sequence changes on RNA splicing suggest that this variant may disrupt the consensus splice site. ClinVar contains an entry for this variant (Variation ID: 1377411). This variant has not been reported in the literature in individuals affected with RNF31-related conditions.

NM_017999.5(RNF31):c.2728-12G>A

Gene: RNF31 (ring finger protein 31; plus strand). Cytogenetic location: 14q12.
Variant type: single nucleotide variant.
Coding change: c.2728-12G>A on transcript NM_017999.5 (MANE Select); 12 bases into the intron before coding-DNA position 2728, G replaced by A.
Molecular consequence: intron variant.
Genome position (GRCh38, 1-based): chr14:24,157,886, G>A. VCF-style: chr14-24157886-G-A. GRCh37 (hg19) VCF-style: chr14-24627095-G-A.
Other names: c.2275-12G>A (NM_001310332.2).
Identifiers: ClinVar variation 1377411 (VCV001377411.6), dbSNP rs2139091509, ClinGen allele CA2573149890.